The following is an entry in ClinVar:

NM_004656.4(BAP1):c.1514C>T (p.Ser505Leu)

Gene: BAP1 (BRCA1 associated deubiquitinase 1; minus strand). Cytogenetic location: 3p21.1.
Variant type: single nucleotide variant.
Coding change: c.1514C>T on transcript NM_004656.4 (MANE Select); coding-DNA position 1514, C replaced by T.
Protein change: p.Ser505Leu; replaces serine 505 with leucine.
Molecular consequence: missense variant.
Genome position (GRCh38, 1-based): chr3:52,403,631, G>A on the plus strand (C>T on the coding strand, the complement: BAP1 is on the minus strand). VCF-style: chr3-52403631-G-A. GRCh37 (hg19) VCF-style: chr3-52437647-G-A.
Other names: short protein forms S505L.
Identifiers: ClinVar variation 627946 (VCV000627946.13), dbSNP rs1322319973, ClinGen allele CA353100880.

ClinVar aggregate classification (germline): Uncertain significance. Review status: criteria provided, multiple submitters, no conflicts (2 of 4 stars). 3 submissions from 3 submitters: Uncertain significance (3). Last evaluated 2025-04-04.

Conditions:
BAP1-related tumor predisposition syndrome (TPDS1). Also called: Tumor susceptibility linked to germline BAP1 mutations; BAP1 tumor predisposition syndrome; TUMOR PREDISPOSITION SYNDROME 1; COMMON Syndrome. Identifiers: Orphanet 289539, MedGen C3280492, MONDO:0013692, OMIM 614327.
Hereditary cancer-predisposing syndrome. Also called: Neoplastic Syndromes, Hereditary; Tumor predisposition; Hereditary neoplastic syndrome; Hereditary Cancer Syndrome. Identifiers: Orphanet 140162, MedGen C0027672, MeSH D009386, MONDO:0015356.

Allele frequency attached by ClinVar (database versions not stated): gnomAD exomes below 0.00001.
gnomAD v4.1: 3 of 1,614,024 alleles (0.00019%); highest among the groups gnomAD compares: Admixed American, 0.0017%; no homozygotes.

Submissions (3):

Ambry Genetics
Classification: Uncertain significance for Hereditary cancer-predisposing syndrome. Last evaluated: 2025-04-04. Review status: criteria provided, single submitter. Criteria: Ambry Variant Classification Scheme 2023. Collection method: clinical testing. Allele origin: germline.
Comment: The p.S505L variant (also known as c.1514C>T), located in coding exon 13 of the BAP1 gene, results from a C to T substitution at nucleotide position 1514. The serine at codon 505 is replaced by leucine, an amino acid with dissimilar properties. This amino acid position is highly conserved in available vertebrate species. In addition, this alteration is predicted to be deleterious by in silico analysis. Based on the available evidence, the clinical significance of this variant remains unclear.

Color Diagnostics, LLC DBA Color Health
Classification: Uncertain significance for Hereditary cancer-predisposing syndrome. Last evaluated: 2024-03-06. Review status: criteria provided, single submitter. Criteria: ACMG Guidelines, 2015. Collection method: clinical testing. Allele origin: germline.
Comment: This missense variant replaces serine with leucine at codon 505 of the BAP1 protein. Computational prediction suggests that this variant may not impact protein structure and function (internally defined REVEL score threshold <= 0.5, PMID: 27666373). To our knowledge, functional studies have not been reported for this variant. This variant has not been reported in individuals affected with hereditary cancer in the literature. This variant has been identified in 1/250890 chromosomes in the general population by the Genome Aggregation Database (gnomAD). The available evidence is insufficient to determine the role of this variant in disease conclusively. Therefore, this variant is classified as a Variant of Uncertain Significance.

Labcorp Genetics (formerly Invitae), Labcorp
Classification: Uncertain significance for BAP1-related tumor predisposition syndrome. Last evaluated: 2023-03-26. Review status: criteria provided, single submitter. Criteria: Invitae Variant Classification Sherloc (09022015). Collection method: clinical testing. Allele origin: germline.
Comment: This sequence change replaces serine, which is neutral and polar, with leucine, which is neutral and non-polar, at codon 505 of the BAP1 protein (p.Ser505Leu). This variant is present in population databases (no rsID available, gnomAD 0.003%). This variant has not been reported in the literature in individuals affected with BAP1-related conditions. ClinVar contains an entry for this variant (Variation ID: 627946). Advanced modeling of protein sequence and biophysical properties (such as structural, functional, and spatial information, amino acid conservation, physicochemical variation, residue mobility, and thermodynamic stability) performed at Invitae indicates that this missense variant is expected to disrupt BAP1 protein function. In summary, the available evidence is currently insufficient to determine the role of this variant in disease. Therefore, it has been classified as a Variant of Uncertain Significance.